The following is an entry in ClinVar:

NM_001130144.3(LTBP3):c.3527C>T (p.Pro1176Leu)

Gene: LTBP3 (latent transforming growth factor beta binding protein 3; minus strand). Cytogenetic location: 11q13.1.
Variant type: single nucleotide variant.
Coding change: c.3527C>T on transcript NM_001130144.3 (MANE Select); coding-DNA position 3527, C replaced by T.
Protein change: p.Pro1176Leu; replaces proline 1176 with leucine.
Molecular consequence: missense variant.
Genome position (GRCh38, 1-based): chr11:65,539,740, G>A on the plus strand (C>T on the coding strand, the complement: LTBP3 is on the minus strand). VCF-style: chr11-65539740-G-A. GRCh37 (hg19) VCF-style: chr11-65307211-G-A.
Other names: c.3035C>T, p.Pro1012Leu (NM_001164266.1); c.3386C>T, p.Pro1129Leu (NM_021070.4); short protein forms P1129L, P1176L, P1012L.
Identifiers: ClinVar variation 1031127 (VCV001031127.11), dbSNP rs889758877, ClinGen allele CA224008622.

ClinVar aggregate classification (germline): Uncertain significance. Review status: criteria provided, multiple submitters, no conflicts (2 of 4 stars). 3 submissions from 3 submitters: Uncertain significance (3). Last evaluated 2026-02-04.

Conditions:
Inborn genetic diseases. Identifiers: MedGen C0950123, MeSH D030342.
Brachyolmia-amelogenesis imperfecta syndrome. Also called: Tooth agenesis, selective, 6; Dental anomalies and short stature; PLATYSPONDYLY WITH AMELOGENESIS IMPERFECTA. Identifiers: Orphanet 2899, MedGen C1832594, MONDO:0011018, OMIM 601216. Disease mechanism: loss of function.

Allele frequency attached by ClinVar (database versions not stated): gnomAD exomes below 0.00001; TOPMed below 0.00001.

Submissions (3):

Labcorp Genetics (formerly Invitae), Labcorp
Classification: Uncertain significance for Brachyolmia-amelogenesis imperfecta syndrome. Last evaluated: 2026-02-04. Review status: criteria provided, single submitter. Criteria: Invitae Variant Classification Sherloc (09022015). Collection method: clinical testing. Allele origin: germline.
Comment: This sequence change replaces proline, which is neutral and non-polar, with leucine, which is neutral and non-polar, at codon 1176 of the LTBP3 protein (p.Pro1176Leu). This variant is not present in population databases (gnomAD no frequency). This variant has not been reported in the literature in individuals affected with LTBP3-related conditions. ClinVar contains an entry for this variant (Variation ID: 1031127). An algorithm developed to predict the effect of missense changes on protein structure and function (PolyPhen-2) suggests that this variant is likely to be disruptive. In summary, the available evidence is currently insufficient to determine the role of this variant in disease. Therefore, it has been classified as a Variant of Uncertain Significance.

Ambry Genetics
Classification: Uncertain significance for Inborn genetic diseases. Last evaluated: 2022-08-07. Review status: criteria provided, single submitter. Criteria: Ambry Variant Classification Scheme 2023. Collection method: clinical testing. Allele origin: germline.
Comment: The p.P1176L variant (also known as c.3527C>T), located in coding exon 25 of the LTBP3 gene, results from a C to T substitution at nucleotide position 3527. The proline at codon 1176 is replaced by leucine, an amino acid with similar properties. This amino acid position is conserved. In addition, this alteration is predicted to be tolerated by in silico analysis. Since supporting evidence is limited at this time, the clinical significance of this alteration remains unclear.

Baylor Genetics
Classification: Uncertain significance for Brachyolmia-amelogenesis imperfecta syndrome. Last evaluated: 2020-03-17. Review status: criteria provided, single submitter. Criteria: ACMG Guidelines, 2015. Collection method: clinical testing. Allele origin: unknown. Affected: yes.
Comment: This variant was determined to be of uncertain significance according to ACMG Guidelines, 2015 [PMID:25741868].